The following is an entry in ClinVar:

ClinVar aggregate classification (germline): Uncertain significance (1 of 4 stars; one submission).

Conditions:
Familial adenomatous polyposis 1 (FAP1). Also called: FAMILIAL ADENOMATOUS POLYPOSIS 1, ATTENUATED; POLYPOSIS, ADENOMATOUS INTESTINAL. Identifiers: MedGen C2713442, MONDO:0021056, OMIM 175100. Disease mechanism: loss of function.

Submission:

Labcorp Genetics (formerly Invitae), Labcorp
Classification: Uncertain significance for Familial adenomatous polyposis 1. Last evaluated: 2024-01-26. Review status: criteria provided, single submitter. Criteria: Invitae Variant Classification Sherloc (09022015). Collection method: clinical testing. Allele origin: germline.
Comment: This sequence change replaces glutamic acid, which is acidic and polar, with lysine, which is basic and polar, at codon 1576 of the APC protein (p.Glu1576Lys). This variant is not present in population databases (gnomAD no frequency). This variant has not been reported in the literature in individuals affected with APC-related conditions. Advanced modeling of protein sequence and biophysical properties (such as structural, functional, and spatial information, amino acid conservation, physicochemical variation, residue mobility, and thermodynamic stability) performed at Invitae indicates that this missense variant is not expected to disrupt APC protein function with a negative predictive value of 95%. In summary, the available evidence is currently insufficient to determine the role of this variant in disease. Therefore, it has been classified as a Variant of Uncertain Significance.

NM_000038.6(APC):c.4726G>A (p.Glu1576Lys)

Gene: APC (APC regulator of Wnt signaling pathway; plus strand). Cytogenetic location: 5q22.2.
Variant type: single nucleotide variant.
Coding change: c.4726G>A on transcript NM_000038.6 (MANE Select); coding-DNA position 4726, G replaced by A.
Protein change: p.Glu1576Lys; replaces glutamic acid 1576 with lysine.
Molecular consequence: missense variant. On other transcripts: non-coding transcript variant (2).
Genome position (GRCh38, 1-based): chr5:112,840,320, G>A. VCF-style: chr5-112840320-G-A. GRCh37 (hg19) VCF-style: chr5-112176017-G-A.
Other names: c.4726G>A, p.Glu1576Lys (NM_001127510.3, NM_001354895.2, NM_001407450.1); c.4672G>A, p.Glu1558Lys (NM_001127511.3); c.4780G>A, p.Glu1594Lys (NM_001354896.2, NM_001407447.1, NM_001407448.1 and 1 more transcripts); c.4756G>A, p.Glu1586Lys (NM_001354897.2); c.4651G>A, p.Glu1551Lys (NM_001354898.2); c.4642G>A, p.Glu1548Lys (NM_001354899.2); c.4603G>A, p.Glu1535Lys (NM_001354900.2); c.4549G>A, p.Glu1517Lys (NM_001354901.2, NM_001407453.1); and 11 more; short protein forms E1416K, E1447K, E1450K, E1558K, E1576K, E1604K, E1535K, E1548K.
Identifiers: ClinVar variation 2711111 (VCV002711111.3), dbSNP rs1554086134, ClinGen allele CA16031694.
Genomic context (GRCh38, chr5:112,840,320, plus strand): 5'-ACTATTGATTCTGAAAAGGACCTATTAGATGATTCAGATGATGATGATATTGAAATACTA[G>A]AAGAATGTATTATTTCTGCCATGCCAACAAAGTCATCACGTAAAGCAAAAAAGCCAGCCC-3'
Protein context (NP_000029.2, residues 1566-1586): DSDDDDIEIL[Glu1576Lys]ECIISAMPTK